The following is an entry in ClinVar:

ClinVar aggregate classification (germline): Pathogenic (1 of 4 stars; one submission).

Submission:

Labcorp Genetics (formerly Invitae), Labcorp
Classification: Pathogenic. Last evaluated: 2022-03-13. Review status: criteria provided, single submitter. Criteria: Invitae Variant Classification Sherloc (09022015). Collection method: clinical testing. Allele origin: germline.
Comment: For these reasons, this variant has been classified as Pathogenic. This variant has not been reported in the literature in individuals affected with GRHPR-related conditions. This variant is not present in population databases (gnomAD no frequency). This sequence change creates a premature translational stop signal (p.Ser244Alafs*6) in the GRHPR gene. It is expected to result in an absent or disrupted protein product. Loss-of-function variants in GRHPR are known to be pathogenic (PMID: 25644115).

Literature cited by the submitters: PubMed 25644115.

NM_012203.2(GRHPR):c.729del (p.Ser244fs)

Gene: GRHPR (glyoxylate and hydroxypyruvate reductase; plus strand). Cytogenetic location: 9p13.2.
Variant type: Deletion.
Coding change: c.729del on transcript NM_012203.2 (MANE Select); coding-DNA position 729, one base deleted (C; older notation c.729delC).
Protein change: p.Ser244fs; shifts the reading frame from serine 244.
Molecular consequence: frameshift variant.
Genome position (GRCh38, 1-based): chr9:37,430,641, C deleted. VCF-style (leftmost placement, unchanged base first): chr9-37430640-TC-T. GRCh37 (hg19) VCF-style: chr9-37430637-TC-T.
Other names: short protein forms S244fs.
Identifiers: ClinVar variation 2110730 (VCV002110730.4), dbSNP rs2489245598, ClinGen allele CA2580080564.